The following is an entry in ClinVar:

ClinVar aggregate classification (germline): Likely pathogenic (1 of 4 stars; one submission).

Submission:

Dasa
Classification: Likely pathogenic. Last evaluated: 2025-04-13. Review status: criteria provided, single submitter. Criteria: DASA Assertion Criteria. Collection method: clinical testing. Allele origin: germline.
Comment: NM_001378418.1(TCF20):c.1065dup (p.Ser356Valfs*14) is a frameshift variant in TCF20 predicted to alter the reading frame and introduce a premature termination codon and is predicted to result in an absent or altered protein product. Loss of function is an established disease mechanism for TCF20 (PMID: 27436265; PMID: 25228304; PMID: 28135719). Also, this variant is absent from population databases. Based on the currently available evidence, this variant is classified as likely pathogenic.

Literature cited by the submitters: PubMed 27436265; PubMed 25228304; PubMed 28135719.

NM_001378418.1(TCF20):c.1065dup (p.Ser356fs)

Gene: TCF20 (transcription factor 20; minus strand). Cytogenetic location: 22q13.2.
Variant type: Duplication.
Coding change: c.1065dup on transcript NM_001378418.1 (MANE Select); coding-DNA position 1065, one base duplicated (G; older notation c.1065dupG).
Protein change: p.Ser356fs; shifts the reading frame from serine 356.
Molecular consequence: frameshift variant.
Genome position (GRCh38, 1-based): chr22:42,214,241, C duplicated on the plus strand (G on the coding strand, the reverse complement: TCF20 is on the minus strand); the first of 2 consecutive C bases (chr22:42,214,241-42,214,242); duplicating either gives the same sequence. VCF-style (leftmost placement, unchanged base first): chr22-42214240-A-AC. GRCh37 (hg19) VCF-style: chr22-42610246-A-AC.
Other names: c.1065dup, p.Ser356fs (NM_005650.4, NM_181492.3); short protein forms S356fs.
Identifiers: ClinVar variation 4886528 (VCV004886528.2).